The following is an entry in ClinVar:

NM_001042424.3(NSD2):c.1589del (p.Lys530fs)

Gene: NSD2 (nuclear receptor binding SET domain protein 2; plus strand). Cytogenetic location: 4p16.3.
Variant type: Deletion.
Coding change: c.1589del on transcript NM_001042424.3 (MANE Select); coding-DNA position 1589, one base deleted (A; older notation c.1589delA).
Protein change: p.Lys530fs; shifts the reading frame from lysine 530.
Molecular consequence: frameshift variant.
Genome position (GRCh38, 1-based): chr4:1,935,177, A deleted; the last of 3 consecutive A bases (chr4:1,935,175-1,935,177); deleting any one gives the same sequence. VCF-style (leftmost placement, unchanged base first): chr4-1935174-CA-C. GRCh37 (hg19) VCF-style: chr4-1936901-CA-C.
Other names: c.1589del, p.Lys530fs (NM_007331.2, NM_133330.3, NM_133331.3 and 1 more transcripts); c.1589delA, p.Lys530Argfs (NM_133334.3); short protein forms K530fs.
Identifiers: ClinVar variation 3235269 (VCV003235269.2), dbSNP rs1553872623, ClinGen allele CA2825001286.

ClinVar aggregate classification (germline): Likely pathogenic (0 of 4 stars; one submission).

Conditions:
Syndromic intellectual disability. Also called: Intellectual disability syndrome. Identifiers: Orphanet 183763, MedGen C5680525, MONDO:0000508.

Submission:

CGC Genetics, Unilabs
Classification: Likely pathogenic for Syndromic intellectual disability. Last evaluated: 2024-04-30. Review status: no assertion criteria provided. Collection method: clinical testing. Allele origin: unknown. Inheritance: Autosomal dominant inheritance. Affected: yes. Observed: 1 heterozygote.
Comment: The variant NM_133330.3:c.1589del p.(Lys530Argfs*68), detected in heterozygosity in the NSD2 gene, has not been described in the literature nor in gnomAD at the time of this submission. It is a frameshift variant, located in exon 9 (of 24), which introduces a premature stop codon, which is predicted to lead to the creation of a truncated protein and/or a reduction in its expression due to mRNA degradation. In addition, another frameshift variant with a nearby premature stop codon is reported in ClinVar as pathogenic (ClinVar ID: 1333176). With the information currently available and current recommendations, this variant should be classified as a probably pathogenic variant. ACMG codes: PVS1; PM2_supp.